The following is an entry in ClinVar:

NM_015965.7(NDUFA13):c.44dup (p.Tyr16fs)

Genes: NDUFA13 (NADH:ubiquinone oxidoreductase subunit A13; plus strand), LOC130064074 (ATAC-STARR-seq lymphoblastoid active region 14360; plus strand). Cytogenetic location: 19p13.11.
Variant type: Duplication.
Coding change: c.44dup on transcript NM_015965.7 (MANE Select); coding-DNA position 44, one base duplicated (G; older notation c.44dupG).
Protein change: p.Tyr16fs; shifts the reading frame from tyrosine 16.
Molecular consequence: frameshift variant.
Genome position (GRCh38, 1-based): chr19:19,516,282, G duplicated; the last of 6 consecutive G bases (chr19:19,516,277-19,516,282); duplicating any one gives the same sequence. VCF-style (leftmost placement, unchanged base first): chr19-19516276-C-CG. GRCh37 (hg19) VCF-style: chr19-19627085-C-CG.
Other names: short protein forms Y16fs.
Identifiers: ClinVar variation 2441769 (VCV002441769.2), dbSNP rs751852332, ClinGen allele CA9327612.

ClinVar aggregate classification (germline): Conflicting classifications of pathogenicity. Review status: criteria provided, conflicting classifications (1 of 4 stars). 3 submissions from 2 submitters: Likely pathogenic (2); Uncertain significance (1). Last evaluated 2026-08-06.

Conditions:
Hurthle cell carcinoma of thyroid. Also called: Thyroid gland oncocytic follicular carcinoma; THYROID CARCINOMA, HURTHLE CELL; HURTHLE CELL THYROID NEOPLASIA. Identifiers: Orphanet 146, MedGen C0749424, MONDO:0011836, OMIM 607464.
Mitochondrial complex I deficiency, nuclear type 28. Also called: Mitochondrial complex 1 deficiency, nuclear type 28. Identifiers: MedGen C4748827, MONDO:0032632, OMIM 618249.

Submissions (3):

OLLIN Analises Genomicas, OLLIN
Classification: Uncertain significance for Hurthle cell carcinoma of thyroid. Last evaluated: 2026-08-06. Review status: criteria provided, single submitter. Criteria: ACMG Guidelines 2015 PMID 25741868. Collection method: clinical testing. Allele origin: germline.
Comment: This frameshift variant, located in exon 1 (of 5), has been reported in ClinVar (accession VCV002441769.1) and in gnomAD with an allele frequency of 0.0005%. However, to our knowledge, it has not been reported in the scientific literature. This variant causes a frameshift and introduces a premature stop codon, which is predicted to result in either a truncated protein or degradation of the mRNA via nonsense-mediated decay (NMD). According to the currently available evidence, this variant has been classified as uncertain significance (PVS1_S, PM2_P).

Baylor Genetics
Classification: Likely pathogenic for Mitochondrial complex I deficiency, nuclear type 28. Last evaluated: 2022-10-05. Review status: criteria provided, single submitter. Criteria: ACMG Guidelines, 2015. Collection method: clinical testing. Allele origin: unknown.

Baylor Genetics
Classification: Likely pathogenic for Hurthle cell carcinoma of thyroid. Last evaluated: 2022-10-05. Review status: criteria provided, single submitter. Criteria: ACMG Guidelines, 2015. Collection method: clinical testing. Allele origin: unknown.